The following is an entry in ClinVar:

ClinVar aggregate classification (germline): Likely benign. Review status: criteria provided, single submitter (1 of 4 stars). 2 submissions from 2 submitters: Likely benign (1). 1 of the submissions does not count toward it. Last evaluated 2026-01-08.

Conditions:
PIK3CD-related disorder. Also called: PIK3CD-related condition.
Immunodeficiency 14 (IMD14A). Also called: ACTIVATED PI3K-DELTA SYNDROME 1; Activated PI3K Delta Syndrome Type 1 (APDS1); p110-DELTA-ACTIVATING MUTATION CAUSING SENESCENT T CELLS, LYMPHADENOPATHY, AND IMMUNODEFICIENCY; IMMUNODEFICIENCY 14A WITH LYMPHOPROLIFERATION, AUTOSOMAL DOMINANT. Identifiers: Orphanet 397596, Orphanet 693661, MedGen C5907821, MONDO:0014222, OMIM 615513.

Allele frequency attached by ClinVar (database versions not stated): gnomAD exomes 0.00001 and 0.00007; TOPMed 0.00002; ExAC 0.00007.
gnomAD v4.1: 18 of 1,614,190 alleles (0.0011%); highest among the groups gnomAD compares: Admixed American, 0.025%; no homozygotes.

Submissions (2):

Labcorp Genetics (formerly Invitae), Labcorp
Classification: Likely benign for Activated PI3K-delta syndrome. Last evaluated: 2026-01-08. Review status: criteria provided, single submitter. Criteria: Invitae Variant Classification Sherloc (09022015). Collection method: clinical testing. Allele origin: germline.

PreventionGenetics, part of Exact Sciences
Classification: Likely benign for PIK3CD-related condition. Last evaluated: 2019-02-26. Review status: no assertion criteria provided. Collection method: clinical testing. Allele origin: germline. Not counted in ClinVar's aggregate classification.
Comment: This variant is classified as likely benign based on ACMG/AMP sequence variant interpretation guidelines (Richards et al. 2015 PMID: 25741868, with internal and published modifications).

NM_005026.5(PIK3CD):c.2745T>C (p.Phe915=)

Gene: PIK3CD (phosphatidylinositol-4,5-bisphosphate 3-kinase catalytic subunit delta; plus strand). Cytogenetic location: 1p36.22.
Variant type: single nucleotide variant.
Coding change: c.2745T>C on transcript NM_005026.5 (MANE Select); coding-DNA position 2745, T replaced by C.
Protein change: p.Phe915=; no amino-acid change (phenylalanine 915 retained).
Molecular consequence: synonymous variant.
Genome position (GRCh38, 1-based): chr1:9,724,302, T>C. VCF-style: chr1-9724302-T-C. GRCh37 (hg19) VCF-style: chr1-9784360-T-C.
Other names: c.2742T>C, p.Phe914= (NM_001350234.2); c.2658T>C, p.Phe886= (NM_001350235.1); c.2745T>C (NM_005026.3).
Identifiers: ClinVar variation 1575023 (VCV001575023.10), dbSNP rs768710822, ClinGen allele CA577624.